The following is an entry in ClinVar:

NC_000022.11:g.40346222C>T

Gene: ADSL (adenylosuccinate lyase; plus strand). Cytogenetic location: 22q13.1.
Variant type: single nucleotide variant.
Genome position: GRCh38 VCF-style: chr22-40346222-C-T. GRCh37 (hg19) VCF-style: chr22-40742226-C-T.
Identifiers: ClinVar variation 2416084 (VCV002416084.6), dbSNP rs546822350, ClinGen allele CA324446693.

ClinVar aggregate classification (germline): Uncertain significance (1 of 4 stars; one submission).

Conditions:
Adenylosuccinate lyase deficiency (ADSLD). Also called: ADSL DEFICIENCY. Identifiers: Orphanet 46, MedGen C0268126, MONDO:0007068, OMIM 103050.

Allele frequency attached by ClinVar (database versions not stated): TOPMed 0.00001; gnomAD 0.00002; 1000 Genomes Project 30x 0.00016; 1000 Genomes Project 0.00020.

Submission:

Labcorp Genetics (formerly Invitae), Labcorp
Classification: Uncertain significance for Adenylosuccinate lyase deficiency. Last evaluated: 2022-04-19. Review status: criteria provided, single submitter. Criteria: Invitae Variant Classification Sherloc (09022015). Collection method: clinical testing. Allele origin: germline.
Comment: This variant is present in population databases (rs546822350, gnomAD 0.01%). In summary, the available evidence is currently insufficient to determine the role of this variant in disease. Therefore, it has been classified as a Variant of Uncertain Significance. Experimental studies and prediction algorithms are not available or were not evaluated, and the functional significance of this variant is currently unknown. This variant has not been reported in the literature in individuals affected with ADSL-related conditions. This variant occurs in a non-coding region of the ADSL gene. It does not change the encoded amino acid sequence of the ADSL protein.